The following is an entry in ClinVar:

NC_000007.14:g.(?_21735620)_(21739693_?)del

Gene: DNAH11 (dynein axonemal heavy chain 11; plus strand). Cytogenetic location: 7p15.3.
Variant type: Deletion.
Identifiers: ClinVar variation 3245633 (VCV003245633.1).

ClinVar aggregate classification (germline): Pathogenic (1 of 4 stars; one submission).

Conditions:
Primary ciliary dyskinesia. Also called: Ciliary dyskinesia. Identifiers: Orphanet 244, MedGen C0008780, MONDO:0016575, HP:0012265.

Submission:

Labcorp Genetics (formerly Invitae), Labcorp
Classification: Pathogenic for Primary ciliary dyskinesia. Last evaluated: 2023-09-26. Review status: criteria provided, single submitter. Criteria: Invitae Variant Classification Sherloc (09022015). Collection method: clinical testing. Allele origin: unknown.
Comment: This variant is a gross deletion of the genomic region encompassing exon(s) 46-48 of the DNAH11 gene. This variant would be expected to be in-frame, preserving the integrity of the reading frame. A similar copy number variant has been observed in individual(s) with clinical features of DNAH11-related¬†conditions (Invitae). This variant disrupts a region of the DNAH11 protein in which other variant(s) (p.Asp2576Gly) have been determined to be pathogenic (Invitae). This suggests that this is a clinically significant region of the protein, and that variants that disrupt it are likely to be disease-causing. For these reasons, this variant has been classified as Pathogenic.